The following is an entry in ClinVar:

NM_133497.4(KCNV2):c.778A>T (p.Lys260Ter)

Gene: KCNV2 (potassium voltage-gated channel modifier subfamily V member 2; plus strand). Cytogenetic location: 9p24.2.
Variant type: single nucleotide variant.
Coding change: c.778A>T on transcript NM_133497.4 (MANE Select); coding-DNA position 778, A replaced by T.
Protein change: p.Lys260Ter; replaces lysine 260 with a stop codon.
Molecular consequence: nonsense.
Genome position (GRCh38, 1-based): chr9:2,718,517, A>T. VCF-style: chr9-2718517-A-T. GRCh37 (hg19) VCF-style: chr9-2718517-A-T.
Other names: NP_598004.1:p.(Lys260Ter); short protein forms K260*.
Identifiers: ClinVar variation 265419 (VCV000265419.16), dbSNP rs139027297, ClinGen allele CA4965618.

ClinVar aggregate classification (germline): Pathogenic. Review status: criteria provided, multiple submitters, no conflicts (2 of 4 stars). 8 submissions from 8 submitters: Pathogenic (8). Last evaluated 2026-05-14.

Conditions:
KCNV2-related disorder. Also called: KCNV2-related condition.
Retinal dystrophy. Also called: Inherited retinal dystrophy. Identifiers: Orphanet 71862, MedGen C0854723, MeSH D058499, MONDO:0019118, HP:0000556.
Cone dystrophy with supernormal rod response (CDSRR). Also called: CONE DYSTROPHY WITH SUPERNORMAL ROD RESPONSES. Identifiers: Orphanet 209932, MedGen C1835897, MONDO:0012475, OMIM 610356.
Cone dystrophy. Identifiers: Orphanet 1871, MedGen C0730290, MONDO:0000455.
Retinal disorder. Also called: Retinopathies; Retinal Diseases; Retinopathy; Retinal disorders. Identifiers: MedGen C0035309, MONDO:0005283, HP:0000488.

Allele frequency attached by ClinVar (database versions not stated): gnomAD 0.00003; TOPMed 0.00005; ESP Exome Variant Server 0.00016.
gnomAD v4.1: 104 of 1,610,968 alleles (0.0065%); highest among the groups gnomAD compares: Admixed American, 0.033%; 1 homozygote.

Submissions (8):

Genetics Laboratory, Great Ormond Street Hospital NHS Foundation Trust, North Thames Genomic Laboratory Hub
Classification: Pathogenic for Retinal disorders. Last evaluated: 2026-05-14. Review status: criteria provided, single submitter. Criteria: ACGS Best Practice Guidelines for Variant Classification in Rare Disease 2024 v1.2. Collection method: clinical testing. Allele origin: germline. Affected: yes.
Comment: PM2_moderate, PVS1_very-strong, PM3_moderate

PreventionGenetics, part of Exact Sciences
Classification: Pathogenic for KCNV2-related condition. Last evaluated: 2026-04-17. Review status: criteria provided, single submitter. Criteria: ACMG Guidelines, 2015. Collection method: clinical testing. Allele origin: germline.
Comment: The KCNV2 c.778A>T variant is predicted to result in premature protein termination (p.Lys260*). This variant has been reported in the compound heterozygous state in individuals with cone dystrophy (Thiagalingam et al. 2007. PubMed ID: 17896311; Wissinger et al. 2011. PubMed ID: 21882291). This variant is reported in 0.014% of alleles in individuals of Latino descent in gnomAD. Nonsense variants in KCNV2 are an established mechanism of disease. This variant is interpreted as pathogenic.

OLLIN Analises Genomicas, OLLIN
Classification: Pathogenic for Cone dystrophy with supernormal rod response. Last evaluated: 2026-02-13. Review status: criteria provided, single submitter. Criteria: ACMG Guidelines 2015 PMID 25741868. Collection method: clinical testing. Allele origin: germline. Observed: 1 variant allele.
Comment: PVS1, PM2_P, PM3, PP1

Labcorp Genetics (formerly Invitae), Labcorp
Classification: Pathogenic. Last evaluated: 2025-12-22. Review status: criteria provided, single submitter. Criteria: Invitae Variant Classification Sherloc (09022015). Collection method: clinical testing. Allele origin: germline.
Comment: This sequence change creates a premature translational stop signal (p.Lys260*) in the KCNV2 gene. It is expected to result in an absent or disrupted protein product. Loss-of-function variants in KCNV2 are known to be pathogenic (PMID: 16909397, 18235024). This variant is present in population databases (rs139027297, gnomAD 0.02%). This premature translational stop signal has been observed in individual(s) with cone dystrophy (PMID: 17896311, 21882291). In at least one individual the data is consistent with being in trans (on the opposite chromosome) from a pathogenic variant. It has also been observed to segregate with disease in related individuals. ClinVar contains an entry for this variant (Variation ID: 265419). For these reasons, this variant has been classified as Pathogenic.

Blueprint Genetics
Classification: Pathogenic for KCNV2-related disorders. Last evaluated: 2024-11-15. Review status: criteria provided, single submitter. Criteria: ACMG Guidelines, 2015. Collection method: clinical testing. Allele origin: germline. Affected: yes. Observed: 5 variant alleles.

Ophthalmic Genetics Group, Institute of Molecular and Clinical Ophthalmology Basel
Classification: Pathogenic for Cone dystrophy. Last evaluated: 2023-07-24. Review status: criteria provided, single submitter. Criteria: ACMG Guidelines, 2015. Collection method: research. Allele origin: germline. Affected: yes. Observed: 1 variant allele.
Comment: Clinical significance based on ACMG v2.0

This variant was classified as Pathogenic based on ACMG criteria: PVS1, PM2, PP5.

GeneDx
Classification: Pathogenic. Last evaluated: 2017-11-17. Review status: criteria provided, single submitter. Criteria: GeneDx Variant Classification (06012015). Collection method: clinical testing. Allele origin: germline. Affected: yes.
Comment: The K260X variant in the KCNV2 gene has been reported previously in association with retinal cone dystrophy in one sibling pair and a third unrelated individual who were heterozygous for the K260X variant and heterozygous for a second loss-of-function variant in the KCNV2 gene (Thiagalingam et al., 2007; Wissinger et al., 2008). This variant is predicted to cause loss of normal protein function either through protein truncation or nonsense-mediated mRNA decay. The K260X variant was not observed at any significant frequency in approximately 6400 individuals of European and African American ancestry in the NHLBI Exome Sequencing Project, indicating it is not a common benign variant in these populations. We interpret K260X as a pathogenic variant.

Institute of Human Genetics, Univ. Regensburg, Univ. Regensburg
Classification: Pathogenic for Retinal dystrophy. Last evaluated: 2014-01-01. Review status: criteria provided, single submitter. Criteria: ACMG Guidelines, 2015. Collection method: clinical testing. Allele origin: germline. Affected: yes.

Literature cited by the submitters: PubMed 16909397 (cited by Labcorp Genetics (formerly Invitae), Labcorp); PubMed 18235024 (cited by Labcorp Genetics (formerly Invitae), Labcorp); PubMed 17896311 (cited by Labcorp Genetics (formerly Invitae), Labcorp and Institute of Human Genetics, Univ. Regensburg, Univ. Regensburg); PubMed 21882291 (cited by Labcorp Genetics (formerly Invitae), Labcorp); PubMed 36909829 (cited by Ophthalmic Genetics Group, Institute of Molecular and Clinical Ophthalmology Basel); PubMed 31589614 (cited by Institute of Human Genetics, Univ. Regensburg, Univ. Regensburg); PubMed 31964843 (cited by Institute of Human Genetics, Univ. Regensburg, Univ. Regensburg); PubMed 35119454 (cited by Institute of Human Genetics, Univ. Regensburg, Univ. Regensburg); PubMed 35456422 (cited by Institute of Human Genetics, Univ. Regensburg, Univ. Regensburg).